The following is an entry in ClinVar:

NM_001972.4(ELANE):c.12CCG[3] (p.Arg6dup)

Gene: ELANE (elastase, neutrophil expressed; plus strand). Cytogenetic location: 19p13.3.
Variant type: Microsatellite.
Coding change: c.12CCG[3] on transcript NM_001972.4 (MANE Select); three copies in a row of the 3-base unit CCG starting at c.12; the reference has two copies in a row; one copy, 3 bases duplicated.
Protein change: p.Arg6dup; duplicates arginine 6.
Molecular consequence: inframe insertion.
Genome position (GRCh38, 1-based): chr19:852,343-852,345, CCG duplicated; duplicating any 3 consecutive bases within chr19:852,339-852,345 gives the same sequence; the position shown is the placement nearest the transcript's 3' end. VCF-style (leftmost placement, unchanged base first): chr19-852338-G-GGCC. GRCh37 (hg19) VCF-style: chr19-852338-G-GGCC.
Identifiers: ClinVar variation 567638 (VCV000567638.12), dbSNP rs1172918693, ClinGen allele CA504684183.

ClinVar aggregate classification (germline): Uncertain significance. Review status: criteria provided, multiple submitters, no conflicts (2 of 4 stars). 2 submissions from 2 submitters: Uncertain significance (2). Last evaluated 2025-09-28.

Conditions:
Neutropenia, severe congenital, 1, autosomal dominant. Identifiers: MedGen C1859966, MONDO:0042490, OMIM 202700.
Cyclical neutropenia. Also called: Cyclic Neutropenia; Cyclic hematopoiesis. Identifiers: Orphanet 2686, MedGen C0221023, MONDO:0008090, OMIM 162800, HP:0040289. Disease mechanism: loss of function.

Submissions (2):

Labcorp Genetics (formerly Invitae), Labcorp
Classification: Uncertain significance for Neutropenia, severe congenital, 1, autosomal dominant; Cyclical neutropenia. Last evaluated: 2025-09-28. Review status: criteria provided, single submitter. Criteria: Invitae Variant Classification Sherloc (09022015). Collection method: clinical testing. Allele origin: germline.
Comment: This variant, c.15_17dup, results in the insertion of 1 amino acid(s) of the ELANE protein (p.Arg6dup), but otherwise preserves the integrity of the reading frame. This variant is present in population databases (no rsID available, gnomAD 0.003%). This variant has not been reported in the literature in individuals affected with ELANE-related conditions. Experimental studies and prediction algorithms are not available or were not evaluated, and the functional significance of this variant is currently unknown. In summary, the available evidence is currently insufficient to determine the role of this variant in disease. Therefore, it has been classified as a Variant of Uncertain Significance.

Blueprint Genetics
Classification: Uncertain significance. Last evaluated: 2019-09-24. Review status: criteria provided, single submitter. Criteria: ACMG Guidelines, 2015. Collection method: clinical testing. Allele origin: germline.